The following is an entry in ClinVar:

ClinVar aggregate classification (germline): Likely benign (1 of 4 stars; one submission).

gnomAD v4.1: 4 of 1,538,220 alleles (0.00026%); highest among the groups gnomAD compares: South Asian, 0.0049%; no homozygotes.

Submission:

CeGaT Center for Human Genetics Tuebingen
Classification: Likely benign. Last evaluated: 2025-11-01. Review status: criteria provided, single submitter. Criteria: CeGaT Center For Human Genetics Tuebingen Variant Classification Criteria Version 2. Collection method: clinical testing. Allele origin: germline. Affected: yes. Observed: 1 variant allele.
Comment: FRA10AC1: BP4, BP7

NM_145246.5(FRA10AC1):c.687A>G (p.Ser229=)

Gene: FRA10AC1 (FRA10A associated CGG repeat 1; minus strand). Cytogenetic location: 10q23.33.
Variant type: single nucleotide variant.
Coding change: c.687A>G on transcript NM_145246.5 (MANE Select); coding-DNA position 687, A replaced by G.
Protein change: p.Ser229=; no amino-acid change (serine 229 retained).
Molecular consequence: synonymous variant. On other transcripts: non-coding transcript variant (1).
Genome position (GRCh38, 1-based): chr10:93,681,580, T>C on the plus strand (A>G on the coding strand, the complement: FRA10AC1 is on the minus strand). VCF-style: chr10-93681580-T-C. GRCh37 (hg19) VCF-style: chr10-95441337-T-C.
Other names: c.687A>G, p.Ser229= (NM_001347712.2, NM_001347713.2, NM_001347714.2 and 1 more transcripts).
Identifiers: ClinVar variation 4535354 (VCV004535354.6).
Genomic context (GRCh38, chr10:93,681,580, plus strand): 5'-TCTGGATTTTTTATGTGATGACTCTTCACAGTCTTTTTTGGTTTTATCTTTTCTTTTTTT[T>C]GACTTGATTTCTTTTCTCCTTTGTGTTAAACAATATAAAATTAAAGTTAACTTTTCCAAC-3'
Protein context (NP_660289.2, residues 219-239): NFHHRRKEIK[Ser229=]KKRKDKTKKD